The following is an entry in ClinVar:

ClinVar aggregate classification (germline): Uncertain significance (1 of 4 stars; one submission).

Submission:

CeGaT Center for Human Genetics Tuebingen
Classification: Uncertain significance. Last evaluated: 2026-04-01. Review status: criteria provided, single submitter. Criteria: CeGaT Center For Human Genetics Tuebingen Variant Classification Criteria Version 2. Collection method: clinical testing. Allele origin: germline. Affected: yes. Observed: 2 variant alleles.
Comment: CPT1C: PM2, PVS1:Moderate

NM_001199753.2(CPT1C):c.2013_2014del (p.Thr672fs)

Gene: CPT1C (carnitine palmitoyltransferase 1C; plus strand). Cytogenetic location: 19q13.33.
Variant type: Deletion.
Coding change: c.2013_2014del on transcript NM_001199753.2 (MANE Select); coding-DNA positions 2013 to 2014, 2 bases deleted (GA; older notation c.2013_2014delGA).
Protein change: p.Thr672fs; shifts the reading frame from threonine 672.
Molecular consequence: frameshift variant. On other transcripts: non-coding transcript variant (1).
Genome position (GRCh38, 1-based): chr19:49,711,955-49,711,956, GA deleted. VCF-style (leftmost placement, unchanged base first): chr19-49711954-TGA-T. GRCh37 (hg19) VCF-style: chr19-50215211-TGA-T.
Other names: c.2013_2014del, p.Thr672fs (NM_001378483.1, NM_001378484.1, NM_152359.3 and 1 more transcripts); c.1980_1981del, p.Thr661fs (NM_001378485.1, NM_001136052.3); c.1878_1879del, p.Thr627fs (NM_001378486.1, NM_001378488.1); c.1845_1846del, p.Thr616fs (NM_001378487.1); c.2079_2080del, p.Thr694fs (NM_001378482.1); short protein forms T616fs, T627fs, T661fs, T672fs, T694fs.
Identifiers: ClinVar variation 4823275 (VCV004823275.4).